The following is an entry in ClinVar:

NM_001105206.3(LAMA4):c.4322C>T (p.Pro1441Leu)

Gene: LAMA4 (laminin subunit alpha 4; minus strand). Cytogenetic location: 6q21.
Variant type: single nucleotide variant.
Coding change: c.4322C>T on transcript NM_001105206.3 (MANE Select); coding-DNA position 4322, C replaced by T.
Protein change: p.Pro1441Leu; replaces proline 1441 with leucine.
Molecular consequence: missense variant.
Genome position (GRCh38, 1-based): chr6:112,122,167, G>A on the plus strand (C>T on the coding strand, the complement: LAMA4 is on the minus strand). VCF-style: chr6-112122167-G-A. GRCh37 (hg19) VCF-style: chr6-112443370-G-A.
Other names: c.4301C>T, p.Pro1434Leu (NM_001105207.3, NM_002290.5); short protein forms P1434L, P1441L.
Identifiers: ClinVar variation 3222048 (VCV003222048.1), dbSNP rs782186408, ClinGen allele CA3964997.

ClinVar aggregate classification (germline): Uncertain significance (1 of 4 stars; one submission).

Conditions:
Cardiovascular phenotype. Identifiers: MedGen CN230736.

Allele frequency attached by ClinVar (database versions not stated): TOPMed below 0.00001; gnomAD 0.00001; gnomAD exomes 0.00001; ExAC 0.00002.
gnomAD v4.1: 14 of 1,613,670 alleles (0.00087%); highest among the groups gnomAD compares: South Asian, 0.0099%; no homozygotes.

Submission:

Ambry Genetics
Classification: Uncertain significance for Cardiovascular phenotype. Last evaluated: 2023-09-25. Review status: criteria provided, single submitter. Criteria: Ambry Variant Classification Scheme 2023. Collection method: clinical testing. Allele origin: germline.
Comment: The p.P1434L variant (also known as c.4301C>T), located in coding exon 31 of the LAMA4 gene, results from a C to T substitution at nucleotide position 4301. The proline at codon 1434 is replaced by leucine, an amino acid with similar properties. This amino acid position is conserved. In addition, this alteration is predicted to be tolerated by in silico analysis. Since supporting evidence is limited at this time, the clinical significance of this alteration remains unclear.